The following is an entry in ClinVar:

ClinVar aggregate classification (germline): Likely benign (1 of 4 stars; one submission).

Conditions:
Vitamin K-dependent clotting factors, combined deficiency of, type 1. Also called: FACTORS II, VII, IX, AND X, COMBINED DEFICIENCY OF; FAMILIAL MULTIPLE COAGULATION FACTOR DEFICIENCY III; FMFD III; GLUTAMIC ACID, DEFICIENT GAMMA-CARBOXYLATION OF; MULTIPLE COAGULATION FACTOR DEFICIENCY III; VITAMIN K-DEPENDENT COAGULATION DEFECT. Identifiers: Orphanet 98434, MedGen C1848534, MONDO:0010187, OMIM 277450.

Allele frequency attached by ClinVar (database versions not stated): gnomAD 0.00001 and 0.00002; TOPMed 0.00006; 1000 Genomes Project 30x 0.00047; 1000 Genomes Project 0.00060.
gnomAD v4.1: 3 of 152,290 alleles (0.002%); highest among the groups gnomAD compares: East Asian, 0.058%; no homozygotes.

Submission:

Illumina Laboratory Services, Illumina
Classification: Likely benign for Vitamin K-dependent clotting factors, combined deficiency of, type 1. Last evaluated: 2018-01-13. Review status: criteria provided, single submitter. Criteria: ICSL Variant Classification Criteria 13 December 2019. Collection method: clinical testing. Allele origin: germline.
Comment: This variant was observed in the ICSL laboratory as part of a predisposition screen in an ostensibly healthy population. It had not been previously curated by ICSL or reported in the Human Gene Mutation Database (HGMD: prior to June 1st, 2018), and was therefore a candidate for classification through an automated scoring system. Utilizing variant allele frequency, disease prevalence and penetrance estimates, and inheritance mode, an automated score was calculated to assess if this variant is too frequent to cause the disease. Based on the score and internal cut-off values, a variant classified as likely benign is not then subjected to further curation. The score for this variant resulted in a classification of likely benign for this disease.

NM_000821.7(GGCX):c.*4314T>C

Gene: GGCX (gamma-glutamyl carboxylase; minus strand). Cytogenetic location: 2p11.2.
Variant type: single nucleotide variant.
Coding change: c.*4314T>C on transcript NM_000821.7 (MANE Select); 4314 bases downstream of the stop codon, T replaced by C.
Molecular consequence: 3 prime UTR variant.
Genome position (GRCh38, 1-based): chr2:85,545,620, A>G on the plus strand (T>C on the coding strand, the complement: GGCX is on the minus strand). VCF-style: chr2-85545620-A-G. GRCh37 (hg19) VCF-style: chr2-85772743-A-G.
Other names: c.*4314T>C (NM_001142269.4).
Identifiers: ClinVar variation 337181 (VCV000337181.5), dbSNP rs530247310, ClinGen allele CA10616284.